The following is an entry in ClinVar:

ClinVar aggregate classification (germline): Uncertain significance (1 of 4 stars; one submission).

Submission:

Labcorp Genetics (formerly Invitae), Labcorp
Classification: Uncertain significance. Last evaluated: 2024-01-02. Review status: criteria provided, single submitter. Criteria: Invitae Variant Classification Sherloc (09022015). Collection method: clinical testing. Allele origin: germline.
Comment: This sequence change replaces lysine, which is basic and polar, with asparagine, which is neutral and polar, at codon 665 of the USH2A protein (p.Lys665Asn). This variant is not present in population databases (gnomAD no frequency). This variant has not been reported in the literature in individuals affected with USH2A-related conditions. ClinVar contains an entry for this variant (Variation ID: 1378772). Advanced modeling of protein sequence and biophysical properties (such as structural, functional, and spatial information, amino acid conservation, physicochemical variation, residue mobility, and thermodynamic stability) performed at Invitae indicates that this missense variant is expected to disrupt USH2A protein function with a positive predictive value of 95%. In summary, the available evidence is currently insufficient to determine the role of this variant in disease. Therefore, it has been classified as a Variant of Uncertain Significance.

NM_206933.4(USH2A):c.1995G>C (p.Lys665Asn)

Gene: USH2A (usherin; minus strand). Cytogenetic location: 1q41.
Variant type: single nucleotide variant.
Coding change: c.1995G>C on transcript NM_206933.4 (MANE Select); coding-DNA position 1995, G replaced by C.
Protein change: p.Lys665Asn; replaces lysine 665 with asparagine.
Molecular consequence: missense variant.
Genome position (GRCh38, 1-based): chr1:216,251,075, C>G on the plus strand (G>C on the coding strand, the complement: USH2A is on the minus strand). VCF-style: chr1-216251075-C-G. GRCh37 (hg19) VCF-style: chr1-216424417-C-G.
Other names: c.1995G>C, p.Lys665Asn (NM_007123.6); short protein forms K665N.
Identifiers: ClinVar variation 1378772 (VCV001378772.8), dbSNP rs969622620, ClinGen allele CA344866771.